The following is an entry in ClinVar:

ClinVar aggregate classification (germline): Uncertain significance (1 of 4 stars; one submission).

gnomAD v4.1: 3 of 1,614,150 alleles (0.00019%); highest among the groups gnomAD compares: South Asian, 0.0033%; no homozygotes.

Submission:

Labcorp Genetics (formerly Invitae), Labcorp
Classification: Uncertain significance. Last evaluated: 2024-06-23. Review status: criteria provided, single submitter. Criteria: Invitae Variant Classification Sherloc (09022015). Collection method: clinical testing. Allele origin: germline.
Comment: This sequence change replaces valine, which is neutral and non-polar, with isoleucine, which is neutral and non-polar, at codon 203 of the SLC7A14 protein (p.Val203Ile). This variant is present in population databases (rs777397455, gnomAD 0.003%). This variant has not been reported in the literature in individuals affected with SLC7A14-related conditions. An algorithm developed to predict the effect of missense changes on protein structure and function (PolyPhen-2) suggests that this variant is likely to be tolerated. In summary, the available evidence is currently insufficient to determine the role of this variant in disease. Therefore, it has been classified as a Variant of Uncertain Significance.

NM_020949.3(SLC7A14):c.607G>A (p.Val203Ile)

Genes: SLC7A14 (solute carrier family 7 member 14; minus strand), SLC7A14-AS1 (SLC7A14 antisense RNA 1; plus strand). Cytogenetic location: 3q26.2.
Variant type: single nucleotide variant.
Coding change: c.607G>A on transcript NM_020949.3 (MANE Select); coding-DNA position 607, G replaced by A.
Protein change: p.Val203Ile; replaces valine 203 with isoleucine.
Molecular consequence: missense variant.
Genome position (GRCh38, 1-based): chr3:170,498,819, C>T on the plus strand (G>A on the coding strand, the complement: SLC7A14 is on the minus strand). VCF-style: chr3-170498819-C-T. GRCh37 (hg19) VCF-style: chr3-170216608-C-T.
Other names: short protein forms V203I.
Identifiers: ClinVar variation 3657584 (VCV003657584.2).
Genomic context (GRCh38, chr3:170,498,819, plus strand): 5'-CCAGGTTCAGCACATTGAGAACATTGTTGAAGCCTATGGAATTCTTCACCCCCAGAGCAA[C>T]AATGATGGTCACGATGACCGCGATCAACAGAGCCAGAAGGTCTGGGTATGATTCTTCACC-3'
Protein context (NP_066000.2, residues 193-213): LLIAVIVTII[Val203Ile]ALGVKNSIGF